The following is an entry in ClinVar:

NM_000081.4(LYST):c.6238G>C (p.Ala2080Pro)

Gene: LYST (lysosomal trafficking regulator; minus strand). Cytogenetic location: 1q42.3.
Variant type: single nucleotide variant.
Coding change: c.6238G>C on transcript NM_000081.4 (MANE Select); coding-DNA position 6238, G replaced by C.
Protein change: p.Ala2080Pro; replaces alanine 2080 with proline.
Molecular consequence: missense variant.
Genome position (GRCh38, 1-based): chr1:235,762,735, C>G on the plus strand (G>C on the coding strand, the complement: LYST is on the minus strand). VCF-style: chr1-235762735-C-G. GRCh37 (hg19) VCF-style: chr1-235926035-C-G.
Other names: c.6238G>C, p.Ala2080Pro (NM_001301365.1); c.6238G>C (NM_000081.2); short protein forms A2080P.
Identifiers: ClinVar variation 567810 (VCV000567810.5), dbSNP rs776938745, ClinGen allele CA1466417.

ClinVar aggregate classification (germline): Uncertain significance. Review status: criteria provided, multiple submitters, no conflicts (2 of 4 stars). 3 submissions from 3 submitters: Uncertain significance (3). Last evaluated 2024-11-22.

Conditions:
Inborn genetic diseases. Identifiers: MedGen C0950123, MeSH D030342.
Chédiak-Higashi syndrome (CHS). Also called: Chediak-Higashi Syndrome. Identifiers: Orphanet 167, MedGen C0007965, MONDO:0008963, OMIM 214500.

Allele frequency attached by ClinVar (database versions not stated): gnomAD 0.00002; ExAC 0.00002.
gnomAD v4.1: 53 of 1,613,240 alleles (0.0033%); highest among the groups gnomAD compares: Non-Finnish European, 0.0044%; no homozygotes.

Submissions (3):

Blueprint Genetics
Classification: Uncertain significance. Last evaluated: 2024-11-22. Review status: criteria provided, single submitter. Criteria: ACMG Guidelines, 2015. Collection method: clinical testing. Allele origin: germline.

Ambry Genetics
Classification: Uncertain significance for Inborn genetic diseases. Last evaluated: 2023-03-24. Review status: criteria provided, single submitter. Criteria: Ambry Variant Classification Scheme 2023. Collection method: clinical testing. Allele origin: germline.

Labcorp Genetics (formerly Invitae), Labcorp
Classification: Uncertain significance for Chédiak-Higashi syndrome. Last evaluated: 2022-02-05. Review status: criteria provided, single submitter. Criteria: Invitae Variant Classification Sherloc (09022015). Collection method: clinical testing. Allele origin: germline.
Comment: This sequence change replaces alanine, which is neutral and non-polar, with proline, which is neutral and non-polar, at codon 2080 of the LYST protein (p.Ala2080Pro). This variant is present in population databases (rs776938745, gnomAD 0.004%). This variant has not been reported in the literature in individuals affected with LYST-related conditions. ClinVar contains an entry for this variant (Variation ID: 567810). Algorithms developed to predict the effect of missense changes on protein structure and function are either unavailable or do not agree on the potential impact of this missense change (SIFT: "Tolerated"; PolyPhen-2: "Possibly Damaging"; Align-GVGD: "Class C0"). In summary, the available evidence is currently insufficient to determine the role of this variant in disease. Therefore, it has been classified as a Variant of Uncertain Significance.